The following is an entry in ClinVar:

ClinVar aggregate classification (germline): Pathogenic (1 of 4 stars; one submission).

gnomAD v4.1: 1 of 1,614,046 alleles (0.000062%); no homozygotes.

Submission:

Labcorp Genetics (formerly Invitae), Labcorp
Classification: Pathogenic. Last evaluated: 2025-11-15. Review status: criteria provided, single submitter. Criteria: Invitae Variant Classification Sherloc (09022015). Collection method: clinical testing. Allele origin: germline.
Comment: This sequence change creates a premature translational stop signal (p.Gln119*) in the C8B gene. It is expected to result in an absent or disrupted protein product. Loss-of-function variants in C8B are known to be pathogenic (PMID: 7594510). This variant is not present in population databases (gnomAD no frequency). This variant has not been reported in the literature in individuals affected with C8B-related conditions. ClinVar contains an entry for this variant (Variation ID: 1457268). Algorithms developed to predict the effect of sequence changes on RNA splicing suggest that this variant may disrupt the consensus splice site. For these reasons, this variant has been classified as Pathogenic.

Literature cited by the submitters: PubMed 7594510.

NM_000066.4(C8B):c.355C>T (p.Gln119Ter)

Gene: C8B (complement C8 beta chain; minus strand). Cytogenetic location: 1p32.2.
Variant type: single nucleotide variant.
Coding change: c.355C>T on transcript NM_000066.4 (MANE Select); coding-DNA position 355, C replaced by T.
Protein change: p.Gln119Ter; replaces glutamine 119 with a stop codon.
Molecular consequence: nonsense.
Genome position (GRCh38, 1-based): chr1:56,956,805, G>A on the plus strand (C>T on the coding strand, the complement: C8B is on the minus strand). VCF-style: chr1-56956805-G-A. GRCh37 (hg19) VCF-style: chr1-57422478-G-A.
Other names: c.199C>T, p.Gln67Ter (NM_001278543.2); c.169C>T, p.Gln57Ter (NM_001278544.2); short protein forms Q67*, Q119*, Q57*.
Identifiers: ClinVar variation 1457268 (VCV001457268.6), dbSNP rs760669928, ClinGen allele CA340510544.
Genomic context (GRCh38, chr1:56,956,805, plus strand): 5'-TCTTACTCCTACATTGATTTATACCTGTCTGTGCACACACAAAGCCTTCACATCGCACTT[G>A]ACTTCCGCATGGTCTGTTGGTAACACAGTCTTCGACTTCCTTGTCAGAGAAGTTGCACGG-3'